The following is an entry in ClinVar:

NM_014946.4(SPAST):c.742C>T (p.Arg248Cys)

Gene: SPAST (spastin; plus strand). Cytogenetic location: 2p22.3.
Variant type: single nucleotide variant.
Coding change: c.742C>T on transcript NM_014946.4 (MANE Select); coding-DNA position 742, C replaced by T.
Protein change: p.Arg248Cys; replaces arginine 248 with cysteine.
Molecular consequence: missense variant.
Genome position (GRCh38, 1-based): chr2:32,114,697, C>T. VCF-style: chr2-32114697-C-T. GRCh37 (hg19) VCF-style: chr2-32339766-C-T.
Other names: c.739C>T, p.Arg247Cys (NM_001363823.2); c.643C>T, p.Arg215Cys (NM_001363875.2); c.646C>T, p.Arg216Cys (NM_001377959.1, NM_199436.2); c.742C>T (NM_014946.3); short protein forms R215C, R247C, R216C, R248C.
Identifiers: ClinVar variation 1449731 (VCV001449731.6), dbSNP rs757176714, ClinGen allele CA1600699.

ClinVar aggregate classification (germline): Uncertain significance. Review status: criteria provided, multiple submitters, no conflicts (2 of 4 stars). 2 submissions from 2 submitters: Uncertain significance (2). Last evaluated 2023-02-24.

Conditions:
Hereditary spastic paraplegia 4. Also called: Spastic paraplegia 4, autosomal dominant; Familial spastic paraplegia autosomal dominant 2; Spastic Paraplegia 4. Identifiers: Orphanet 100985, MedGen C1866855, MONDO:0008438, OMIM 182601.

Allele frequency attached by ClinVar (database versions not stated): gnomAD exomes below 0.00001 and 0.00002; TOPMed below 0.00001; ExAC 0.00001; gnomAD 0.00001.
gnomAD v4.1: 30 of 1,613,966 alleles (0.0019%); highest among the groups gnomAD compares: Non-Finnish European, 0.0024%; no homozygotes.

Submissions (2):

GeneDx
Classification: Uncertain significance. Last evaluated: 2023-02-24. Review status: criteria provided, single submitter. Criteria: GeneDx Variant Classification Process June 2021. Collection method: clinical testing. Allele origin: germline. Affected: yes.
Comment: Not observed at significant frequency in large population cohorts (gnomAD); In silico analysis supports that this missense variant has a deleterious effect on protein structure/function; Has not been previously published as pathogenic or benign to our knowledge

Labcorp Genetics (formerly Invitae), Labcorp
Classification: Uncertain significance for Hereditary spastic paraplegia 4. Last evaluated: 2021-12-23. Review status: criteria provided, single submitter. Criteria: Invitae Variant Classification Sherloc (09022015). Collection method: clinical testing. Allele origin: germline.
Comment: Advanced modeling of protein sequence and biophysical properties (such as structural, functional, and spatial information, amino acid conservation, physicochemical variation, residue mobility, and thermodynamic stability) performed at Invitae indicates that this missense variant is expected to disrupt SPAST protein function. In summary, the available evidence is currently insufficient to determine the role of this variant in disease. Therefore, it has been classified as a Variant of Uncertain Significance. This missense change has been observed in individual(s) with clinical features of hereditary spastic paraplegia (Invitae). This variant is present in population databases (rs757176714, gnomAD 0.002%). This sequence change replaces arginine, which is basic and polar, with cysteine, which is neutral and slightly polar, at codon 248 of the SPAST protein (p.Arg248Cys).